The following is an entry in ClinVar:

ClinVar aggregate classification (germline): Pathogenic (1 of 4 stars; one submission).

Conditions:
Spastic paraplegia. Identifiers: MedGen C0037772, HP:0001258.

Submission:

Labcorp Genetics (formerly Invitae), Labcorp
Classification: Pathogenic for Spastic paraplegia. Last evaluated: 2023-06-03. Review status: criteria provided, single submitter. Criteria: Invitae Variant Classification Sherloc (09022015). Collection method: clinical testing. Allele origin: germline.
Comment: For these reasons, this variant has been classified as Pathogenic. This variant has not been reported in the literature in individuals affected with ZFYVE26-related conditions. This variant is not present in population databases (gnomAD no frequency). This sequence change creates a premature translational stop signal (p.Leu335Phefs*3) in the ZFYVE26 gene. It is expected to result in an absent or disrupted protein product. Loss-of-function variants in ZFYVE26 are known to be pathogenic (PMID: 18394578, 19805727).

Literature cited by the submitters: PubMed 18394578; PubMed 19805727.

NM_015346.4(ZFYVE26):c.1003_1012del (p.Leu335fs)

Gene: ZFYVE26 (zinc finger FYVE-type containing 26; minus strand). Cytogenetic location: 14q24.1.
Variant type: Deletion.
Coding change: c.1003_1012del on transcript NM_015346.4 (MANE Select); coding-DNA positions 1003 to 1012, 10 bases deleted (CTCGAGCAGA; older notation c.1003_1012delCTCGAGCAGA).
Protein change: p.Leu335fs; shifts the reading frame from leucine 335.
Molecular consequence: frameshift variant.
Genome position (GRCh38, 1-based): chr14:67,806,550-67,806,559, TCTGCTCGAG deleted on the plus strand (CTCGAGCAGA on the coding strand, the reverse complement: ZFYVE26 is on the minus strand). VCF-style (leftmost placement, unchanged base first): chr14-67806549-ATCTGCTCGAG-A. GRCh37 (hg19) VCF-style: chr14-68273266-ATCTGCTCGAG-A.
Other names: short protein forms L335fs.
Identifiers: ClinVar variation 2761926 (VCV002761926.3), dbSNP rs2502876816, ClinGen allele CA2697554011.